The following is an entry in ClinVar:

ClinVar aggregate classification (germline): Uncertain significance (1 of 4 stars; one submission).

Allele frequency attached by ClinVar (database versions not stated): 1000 Genomes Project 0.00020; TOPMed 0.00001; ExAC 0.00002; 1000 Genomes Project 30x 0.00016; gnomAD exomes below 0.00001; gnomAD 0.00001.
gnomAD v4.1: 4 of 1,613,882 alleles (0.00025%); highest among the groups gnomAD compares: African/African-American, 0.0013%; no homozygotes.

Submission:

GeneDx
Classification: Uncertain significance. Last evaluated: 2018-05-24. Review status: criteria provided, single submitter. Criteria: GeneDx Variant Classification (06012015). Collection method: clinical testing. Allele origin: germline. Affected: yes.
Comment: The R681Q variant has not been published as a pathogenic variant, nor has it been reported as a benign variant to our knowledge. The R681Q variant is observed in 2/245764 (0.0008%) alleles in large population cohorts (Lek et al., 2016). The R681Q variant is a semi-conservative amino acid substitution, which may impact secondary protein structure as these residues differ in some properties. In-silico analyses, including protein predictors and evolutionary conservation, support that this variant does not alter protein structure/function. In summary, based on the currently available information, it is unclear whether this variant is a pathogenic variant or a rare benign variant.

NM_022356.4(P3H1):c.2042G>A (p.Arg681Gln)

Gene: P3H1 (prolyl 3-hydroxylase 1; minus strand). Cytogenetic location: 1p34.2.
Variant type: single nucleotide variant.
Coding change: c.2042G>A on transcript NM_022356.4 (MANE Select); coding-DNA position 2042, G replaced by A.
Protein change: p.Arg681Gln; replaces arginine 681 with glutamine.
Molecular consequence: missense variant.
Genome position (GRCh38, 1-based): chr1:42,747,285, C>T on the plus strand (G>A on the coding strand, the complement: P3H1 is on the minus strand). VCF-style: chr1-42747285-C-T. GRCh37 (hg19) VCF-style: chr1-43212956-C-T.
Other names: c.2042G>A, p.Arg681Gln (NM_001146289.2, NM_001243246.2); short protein forms R681Q.
Identifiers: ClinVar variation 546499 (VCV000546499.2), dbSNP rs575594548, ClinGen allele CA801617.